The following is an entry in ClinVar:

NM_032444.4(SLX4):c.3259A>C (p.Ser1087Arg)

Gene: SLX4 (SLX4 structure-specific endonuclease subunit; minus strand). Cytogenetic location: 16p13.3.
Variant type: single nucleotide variant.
Coding change: c.3259A>C on transcript NM_032444.4 (MANE Select); coding-DNA position 3259, A replaced by C.
Protein change: p.Ser1087Arg; replaces serine 1087 with arginine.
Molecular consequence: missense variant.
Genome position (GRCh38, 1-based): chr16:3,590,379, T>G on the plus strand (A>C on the coding strand, the complement: SLX4 is on the minus strand). VCF-style: chr16-3590379-T-G. GRCh37 (hg19) VCF-style: chr16-3640380-T-G.
Other names: short protein forms S1087R.
Identifiers: ClinVar variation 2630712 (VCV002630712.1), dbSNP rs2548213081, ClinGen allele CA394520599.

ClinVar aggregate classification (germline): Uncertain significance (1 of 4 stars; one submission).

Conditions:
SLX4-related disorder. Also called: SLX4-related condition.

Submission:

PreventionGenetics, part of Exact Sciences
Classification: Uncertain significance for SLX4-related condition. Last evaluated: 2023-08-21. Review status: criteria provided, single submitter. Criteria: ACMG Guidelines, 2015. Collection method: clinical testing. Allele origin: germline.
Comment: The SLX4 c.3259A>C variant is predicted to result in the amino acid substitution p.Ser1087Arg. To our knowledge, this variant has not been reported in the literature or in a large population database, indicating this variant is rare. At this time, the clinical significance of this variant is uncertain due to the absence of conclusive functional and genetic evidence.